The following is an entry in ClinVar:

NM_015102.5(NPHP4):c.2198G>A (p.Gly733Asp)

Gene: NPHP4 (nephrocystin 4; minus strand). Cytogenetic location: 1p36.31.
Variant type: single nucleotide variant.
Coding change: c.2198G>A on transcript NM_015102.5 (MANE Select); coding-DNA position 2198, G replaced by A.
Protein change: p.Gly733Asp; replaces glycine 733 with aspartic acid.
Molecular consequence: missense variant. On other transcripts: non-coding transcript variant (1).
Genome position (GRCh38, 1-based): chr1:5,890,974, C>T on the plus strand (G>A on the coding strand, the complement: NPHP4 is on the minus strand). VCF-style: chr1-5890974-C-T. GRCh37 (hg19) VCF-style: chr1-5951034-C-T.
Other names: c.659G>A, p.Gly220Asp (NM_001291593.2); c.662G>A, p.Gly221Asp (NM_001291594.2); short protein forms G733D, G221D, G220D.
Identifiers: ClinVar variation 156399 (VCV000156399.19), dbSNP rs587783027, ClinGen allele CA270798.
Genomic context (GRCh38, chr1:5,890,974, plus strand): 5'-TCCCAGACGTCAATCTGCAGGGTCTGCACGGCCAGGTAGCGGGCAAAGCAGCGCCGCTCA[C>T]CTGGCTTCAGGAACCCAGGGCCCACCATGTACCTCAGCTGGAAGCCAGGAGACCCTGTCA-3'
Protein context (NP_055917.1, residues 723-743): YMVGPGFLKP[Gly733Asp]ERRCFARYLA

ClinVar aggregate classification (germline): Uncertain significance. Review status: criteria provided, multiple submitters, no conflicts (2 of 4 stars). 8 submissions from 7 submitters: Uncertain significance (7). 1 of the submissions does not count toward it. Last evaluated 2026-01-21.

Conditions:
NPHP4-related disorder. Also called: NPHP4-related condition; NPHP4-related disorders. Identifiers: MedGen CN239384.
Nephronophthisis. Also called: Juvenile Nephronophthisis. Identifiers: Orphanet 655, MedGen C0687120, MONDO:0019005, HP:0000090.
Nephronophthisis 4 (NPHP4). Also called: NEPHRONOPHTHISIS 4, JUVENILE. Identifiers: Orphanet 655, MedGen C1847013, MONDO:0011752, OMIM 606966.
Senior-Loken syndrome 4 (SLSN4). Identifiers: Orphanet 3156, MedGen C1846979, MONDO:0011756, OMIM 606996.
Leber congenital amaurosis (LCA). Also called: Leber's amaurosis. Identifiers: Orphanet 65, MedGen C0339527, MeSH D057130, MONDO:0018998.

Allele frequency attached by ClinVar (database versions not stated): gnomAD 0.00006 and 0.00007; gnomAD exomes 0.00006 and 0.00008; TOPMed 0.00007; ExAC 0.00013.
gnomAD v4.1: 96 of 1,588,930 alleles (0.006%); highest among the groups gnomAD compares: East Asian, 0.2%; no homozygotes.

Submissions (8):

Labcorp Genetics (formerly Invitae), Labcorp
Classification: Uncertain significance for Nephronophthisis. Last evaluated: 2026-01-21. Review status: criteria provided, single submitter. Criteria: Invitae Variant Classification Sherloc (09022015). Collection method: clinical testing. Allele origin: germline.
Comment: This sequence change replaces glycine, which is neutral and non-polar, with aspartic acid, which is acidic and polar, at codon 733 of the NPHP4 protein (p.Gly733Asp). This variant is present in population databases (rs587783027, gnomAD 0.1%). This missense change has been observed in individual(s) with nephronopthisis (PMID: 26920127, 36090483). This variant is also known as p.G221D. ClinVar contains an entry for this variant (Variation ID: 156399). Invitae Evidence Modeling of protein sequence and biophysical properties (such as structural, functional, and spatial information, amino acid conservation, physicochemical variation, residue mobility, and thermodynamic stability) indicates that this missense variant is expected to disrupt NPHP4 protein function with a positive predictive value of 80%. In summary, the available evidence is currently insufficient to determine the role of this variant in disease. Therefore, it has been classified as a Variant of Uncertain Significance.

PreventionGenetics, part of Exact Sciences
Classification: Uncertain significance for NPHP4-related condition. Last evaluated: 2025-11-25. Review status: criteria provided, single submitter. Criteria: ACMG Guidelines, 2015. Collection method: clinical testing. Allele origin: germline.
Comment: The NPHP4 c.2198G>A variant is predicted to result in the amino acid substitution p.Gly733Asp. This variant has also been reported, along with a second missense variant in the same gene, in individuals with nephronophthisis or polycystic kidney disease (supplementary data, reported as p.G221D in Mori et al. 2017. PubMed ID: 26920127; Takada et al. 2018. PubMed ID: 29162218; Fujimaru et al. 2018. PubMed ID: 29520754; supplementary data, Sekine et al. 2019. PubMed ID: 30820006). This variant was also reported in a large cohort of individuals with nephronophthisis (supplementary data, König et al. 2022. PubMed ID: 36090483). This variant was also reported in a cohort of individuals with heterotaxy and congenital heart disease (Li et al. 2018. PubMed ID: 30120289). Lastly, this variant was also described in a cohort of individuals undergoing testing for Leber Congenital Amaurosis (Seong et al. 2015. PubMed ID: 25445212). This variant is reported in 0.089% of alleles in individuals of East Asian descent in gnomAD. At this time, the clinical significance of this variant is uncertain due to the absence of conclusive functional and genetic evidence.

Fulgent Genetics
Classification: Uncertain significance for Nephronophthisis 4; Senior-Loken syndrome 4. Last evaluated: 2024-06-25. Review status: criteria provided, single submitter. Criteria: ACMG Guidelines, 2015. Collection method: clinical testing. Allele origin: germline.

3billion
Classification: Uncertain significance for Nephronophthisis 4. Last evaluated: 2023-06-13. Review status: criteria provided, single submitter. Criteria: ACMG Guidelines, 2015. Collection method: clinical testing. Allele origin: germline. Affected: yes.
Comment: The variant is observed at an extremely low frequency in the gnomAD v2.1.1 dataset (total allele frequency: 0.007%). Predicted Consequence/Location: Protein truncation variants are a common disease-causing mechanism. In silico tool predictions suggest damaging effect of the variant on gene or gene product (REVEL: 0.66; 3Cnet: 0.15). Same nucleotide change resulting in same amino acid change has been previously reported to be associated with NPHP4 related disorder (PMID: 26920127). However, the evidence of pathogenicity is insufficient at this time. Therefore, this variant is classified as VUS according to the recommendation of ACMG/AMP guideline.

Eurofins Ntd Llc (ga)
Classification: Uncertain significance. Last evaluated: 2017-12-28. Review status: criteria provided, single submitter. Criteria: EGL Classification Definitions 2015. Collection method: clinical testing. Allele origin: germline. Observed: 1 variant allele, 1 heterozygote.

Illumina Laboratory Services, Illumina
Classification: Uncertain significance for Senior-Loken syndrome 4. Last evaluated: 2017-04-27. Review status: criteria provided, single submitter. Criteria: ICSL Variant Classification Criteria 13 December 2019. Collection method: clinical testing. Allele origin: germline.
Comment: This variant was observed as part of a predisposition screen in an ostensibly healthy population. A literature search was performed for the gene, cDNA change, and amino acid change (where applicable). Publications were found based on this search. However, the evidence from the literature, in combination with allele frequency data from public databases where available, was not sufficient to rule this variant in or out of causing disease. Therefore, this variant is classified as a variant of unknown significance.

Illumina Laboratory Services, Illumina
Classification: Uncertain significance for Nephronophthisis 4. Last evaluated: 2017-04-27. Review status: criteria provided, single submitter. Criteria: ICSL Variant Classification Criteria 13 December 2019. Collection method: clinical testing. Allele origin: germline.
Comment: the same text as in the submission from Illumina Laboratory Services, Illumina above.

Molecular Diagnostics Laboratory, Seoul National University Hospital
Classification: Uncertain significance for Leber congenital amaurosis. Last evaluated: 2014-09-18. Review status: no assertion criteria provided. Collection method: clinical testing. Allele origin: unknown. Affected: yes. Not counted in ClinVar's aggregate classification.

Literature cited by the submitters: PubMed 26920127 (cited by Labcorp Genetics (formerly Invitae), Labcorp and 3billion); PubMed 36090483 (cited by Labcorp Genetics (formerly Invitae), Labcorp); PubMed 25445212 (cited by Illumina Laboratory Services, Illumina).